The following is an entry in ClinVar:

NM_014244.5(ADAMTS2):c.3193G>C (p.Gly1065Arg)

Gene: ADAMTS2 (ADAM metallopeptidase with thrombospondin type 1 motif 2; minus strand). Cytogenetic location: 5q35.3.
Variant type: single nucleotide variant.
Coding change: c.3193G>C on transcript NM_014244.5 (MANE Select); coding-DNA position 3193, G replaced by C.
Protein change: p.Gly1065Arg; replaces glycine 1065 with arginine.
Molecular consequence: missense variant.
Genome position (GRCh38, 1-based): chr5:179,114,310, C>G on the plus strand (G>C on the coding strand, the complement: ADAMTS2 is on the minus strand). VCF-style: chr5-179114310-C-G. GRCh37 (hg19) VCF-style: chr5-178541311-C-G.
Other names: short protein forms G1065R.
Identifiers: ClinVar variation 2226500 (VCV002226500.3), dbSNP rs747348237, ClinGen allele CA3595272.

ClinVar aggregate classification (germline): Conflicting classifications of pathogenicity. Review status: criteria provided, conflicting classifications (1 of 4 stars). 2 submissions from 2 submitters: Uncertain significance (1); Likely benign (1). Last evaluated 2026-04-01.

Conditions:
Inborn genetic diseases. Identifiers: MedGen C0950123, MeSH D030342.

Allele frequency attached by ClinVar (database versions not stated): TOPMed below 0.00001; gnomAD 0.00003; gnomAD exomes 0.00009; ExAC 0.00019.
gnomAD v4.1: 137 of 1,613,676 alleles (0.0085%); highest among the groups gnomAD compares: South Asian, 0.15%; no homozygotes.

Submissions (2):

Women's Health and Genetics/Laboratory Corporation of America, LabCorp
Classification: Likely benign. Last evaluated: 2026-04-01. Review status: criteria provided, single submitter. Criteria: LabCorp Variant Classification Summary - May 2015. Collection method: clinical testing. Allele origin: germline.
Comment: Variant summary: ADAMTS2 c.3193G>C (p.Gly1065Arg) results in a non-conservative amino acid change in the encoded protein sequence. Algorithms developed to predict the effect of missense changes on protein structure and function are either unavailable or do not agree on the potential impact of this missense change. The variant allele was found at a frequency of 0.00017 in 250910 control chromosomes, predominantly at a frequency of 0.0014 within the South Asian subpopulation in the gnomAD database. The observed variant frequency within South Asian control individuals in the gnomAD database exceeds the estimated maximal expected allele frequency for disease-causing variants in ADAMTS2. c.3193G>C has been observed in a study setting screening for detrimental variants in euploid miscarriages without strong evidence for causality (Buonaiuto_2022). These report(s) do not provide unequivocal conclusions about association of the variant with Ehlers-Danlos syndrome, dermatosparaxis type. To our knowledge, no experimental evidence demonstrating an impact on protein function has been reported. ClinVar contains an entry for this variant (Variation ID: 2226500). Based on the evidence outlined above, the variant was classified as likely benign.

Ambry Genetics
Classification: Uncertain significance for Inborn genetic diseases. Last evaluated: 2021-08-16. Review status: criteria provided, single submitter. Criteria: Ambry Variant Classification Scheme 2023. Collection method: clinical testing. Allele origin: germline.

Literature cited by the submitters: PubMed 35132093 (cited by Women's Health and Genetics/Laboratory Corporation of America, LabCorp).